The following is an entry in ClinVar:

ClinVar aggregate classification (germline): Uncertain significance (1 of 4 stars; one submission).

Submission:

Labcorp Genetics (formerly Invitae), Labcorp
Classification: Uncertain significance. Last evaluated: 2025-05-07. Review status: criteria provided, single submitter. Criteria: Invitae Variant Classification Sherloc (09022015). Collection method: clinical testing. Allele origin: germline.
Comment: This sequence change replaces glutamic acid, which is acidic and polar, with glycine, which is neutral and non-polar, at codon 240 of the TNFRSF6B protein (p.Glu240Gly). This variant is present in population databases (rs375903710, gnomAD 0.0009%). This variant has not been reported in the literature in individuals affected with TNFRSF6B-related conditions. An algorithm developed to predict the effect of missense changes on protein structure and function outputs the following: PolyPhen-2: "Benign". The glycine amino acid residue is found in multiple mammalian species, which suggests that this missense change does not adversely affect protein function. In summary, the available evidence is currently insufficient to determine the role of this variant in disease. Therefore, it has been classified as a Variant of Uncertain Significance.

NM_003823.4(TNFRSF6B):c.719A>G (p.Glu240Gly)

Genes: RTEL1-TNFRSF6B (RTEL1-TNFRSF6B readthrough (NMD candidate); plus strand), TNFRSF6B (TNF receptor superfamily member 6b; plus strand). Cytogenetic location: 20q13.33.
Variant type: single nucleotide variant.
Coding change: c.719A>G on transcript NM_003823.4 (MANE Select); coding-DNA position 719, A replaced by G.
Protein change: p.Glu240Gly; replaces glutamic acid 240 with glycine.
Molecular consequence: missense variant. On other transcripts: non-coding transcript variant (1).
Genome position (GRCh38, 1-based): chr20:63,698,379, A>G. VCF-style: chr20-63698379-A-G. GRCh37 (hg19) VCF-style: chr20-62329732-A-G.
Other names: short protein forms E240G.
Identifiers: ClinVar variation 4765913 (VCV004765913.1).
Genomic context (GRCh38, chr20:63,698,379, plus strand): 5'-CTTTCCAGGACATCTCCATCAAGAGGCTGCAGCGGCTGCTGCAGGCCCTCGAGGCCCCGG[A>G]GGGCTGGGGTCCGACACCAAGGGCGGGCCGCGCGGCCTTGCAGCTGAAGCTGCGTCGGCG-3'
Protein context (NP_003814.1, residues 230-250): QRLLQALEAP[Glu240Gly]GWGPTPRAGR